The following is an entry in ClinVar:

ClinVar aggregate classification (germline): Likely pathogenic (1 of 4 stars; one submission).

Conditions:
Retinitis pigmentosa 12 (RP12). Also called: RP WITH OR WITHOUT PPRPE; RP WITH OR WITHOUT PRESERVED PARAARTERIOLE RETINAL PIGMENT EPITHELIUM; RETINITIS PIGMENTOSA WITH OR WITHOUT PARAARTERIOLAR PRESERVATION OF RETINAL PIGMENT EPITHELIUM. Identifiers: Orphanet 791, MedGen C1838647, MONDO:0010818, OMIM 600105.
Leber congenital amaurosis 8 (LCA8). Identifiers: Orphanet 65, MedGen C3151202, MONDO:0013453, OMIM 613835.

Submission:

Labcorp Genetics (formerly Invitae), Labcorp
Classification: Likely pathogenic for Leber congenital amaurosis 8; Retinitis pigmentosa 12. Last evaluated: 2024-02-23. Review status: criteria provided, single submitter. Criteria: Invitae Variant Classification Sherloc (09022015). Collection method: clinical testing. Allele origin: germline.
Comment: This sequence change replaces cysteine, which is neutral and slightly polar, with tyrosine, which is neutral and polar, at codon 696 of the CRB1 protein (p.Cys696Tyr). This variant is not present in population databases (gnomAD no frequency). This variant has not been reported in the literature in individuals affected with CRB1-related conditions. ClinVar contains an entry for this variant (Variation ID: 2072534). Advanced modeling of protein sequence and biophysical properties (such as structural, functional, and spatial information, amino acid conservation, physicochemical variation, residue mobility, and thermodynamic stability) performed at Invitae indicates that this missense variant is expected to disrupt CRB1 protein function with a positive predictive value of 80%. This variant disrupts the p.Cys696 amino acid residue in CRB1. Other variant(s) that disrupt this residue have been determined to be pathogenic (PMID: 28460491). This suggests that this residue is clinically significant, and that variants that disrupt this residue are likely to be disease-causing. In summary, the currently available evidence indicates that the variant is pathogenic, but additional data are needed to prove that conclusively. Therefore, this variant has been classified as Likely Pathogenic.

Literature cited by the submitters: PubMed 28460491.

NM_201253.3(CRB1):c.2087G>A (p.Cys696Tyr)

Gene: CRB1 (crumbs cell polarity complex component 1; plus strand). Cytogenetic location: 1q31.3.
Variant type: single nucleotide variant.
Coding change: c.2087G>A on transcript NM_201253.3 (MANE Select); coding-DNA position 2087, G replaced by A.
Protein change: p.Cys696Tyr; replaces cysteine 696 with tyrosine.
Molecular consequence: missense variant. On other transcripts: non-coding transcript variant (2).
Genome position (GRCh38, 1-based): chr1:197,421,915, G>A. VCF-style: chr1-197421915-G-A. GRCh37 (hg19) VCF-style: chr1-197391045-G-A.
Other names: c.1751G>A, p.Cys584Tyr (NM_001193640.2); c.1880G>A, p.Cys627Tyr (NM_001257965.2); c.2087G>A, p.Cys696Tyr (NM_001257966.2); short protein forms C584Y, C627Y, C696Y.
Identifiers: ClinVar variation 2072534 (VCV002072534.4), dbSNP rs2528114749, ClinGen allele CA344034101.
Genomic context (GRCh38, chr1:197,421,915, plus strand): 5'-GTGAAAGCCAACCTTGTCAAAGCAGAGGACGCTGCATCAACTTGTGGCTGAGTTACCAGT[G>A]TGACTGCCACAGGCCCTATGAAGGCCCCAACTGTCTGAGAGGTGAGAGAAAGCTGAGTGC-3'
Protein context (NP_957705.1, residues 686-706): RCINLWLSYQ[Cys696Tyr]DCHRPYEGPN